The following is an entry in ClinVar:

ClinVar aggregate classification (germline): Uncertain significance. Review status: criteria provided, multiple submitters, no conflicts (2 of 4 stars). 3 submissions from 3 submitters: Uncertain significance (2). 1 of the submissions does not count toward it. Last evaluated 2024-05-09.

Allele frequency attached by ClinVar (database versions not stated): gnomAD 0.00018; 1000 Genomes Project 30x 0.00031; TOPMed 0.00017; gnomAD exomes 0.00002 and 0.00005; 1000 Genomes Project 0.00020; ExAC 0.00007; ESP Exome Variant Server 0.00008.
gnomAD v4.1: 56 of 1,611,700 alleles (0.0035%); highest among the groups gnomAD compares: African/African-American, 0.068%; no homozygotes.

Submissions (3):

GeneDx
Classification: Uncertain significance. Last evaluated: 2024-05-09. Review status: criteria provided, single submitter. Criteria: GeneDx Variant Classification Process June 2021. Collection method: clinical testing. Allele origin: germline.
Comment: In silico analysis supports that this missense variant has a deleterious effect on protein structure/function; Has not been previously published as pathogenic or benign to our knowledge

Laboratory for Molecular Medicine, Mass General Brigham Personalized Medicine
Classification: Uncertain significance. Last evaluated: 2017-03-31. Review status: criteria provided, single submitter. Criteria: LMM Criteria. Collection method: clinical testing. Allele origin: germline. Observed: 1 variant allele.
Comment: The p.Glu346Ala variant in RDX has not been previously reported in individuals w ith hearing loss. It has been identified in 7/9366 African chromosomes by the Ex ome Aggregation Consortium (ExAC; dbSNP rs141492 728). Although this variant has been seen in the general population, its frequen cy is not high enough to rule out a pathogenic role. Computational prediction to ols and conservation analyses do not provide strong support for or against an im pact to the protein. In summary, the clinical significance of the p.Glu346Ala v ariant is uncertain.

Department of Pathology and Laboratory Medicine, Sinai Health System
Classification: Uncertain significance. Review status: no assertion criteria provided. Collection method: clinical testing. Allele origin: unknown. Affected: yes. Study: The Canadian Open Genetics Repository (COGR). Not counted in ClinVar's aggregate classification.
Comment: The RDX p.Glu346Ala variant was not identified in the literature nor was it identified in Cosmic or LOVD 3.0. The variant was identified in dbSNP (ID: rs141462728) and ClinVar (classified as a VUS by Laboratory for Molecular Medicine). The variant was also identified in control databases in 22 of 276790 chromosomes at a frequency of 0.000079 (Genome Aggregation Database Feb 27, 2017). The variant was observed in the following populations: African in 21 of 24808 chromosomes (freq: 0.000847) and Latino in 1 of 35112 chromosomes (freq: 0.000028), while the variant was not observed in the Ashkenazi Jewish, East Asian, European (Finnish), European (non-Finnish), Other or South Asian populations. The p.Glu346 residue is conserved in mammals and computational analyses (PolyPhen-2, SIFT, AlignGVGD, BLOSUM, MutationTaster) provide inconsistent predictions regarding the impact to the protein; this information is not very predictive of pathogenicity. The variant occurs outside of the splicing consensus sequence and in silico or computational prediction software programs (SpliceSiteFinder, MaxEntScan, NNSPLICE, GeneSplicer) do not predict a difference in splicing. In summary, based on the above information the clinical significance of this variant cannot be determined with certainty at this time. This variant is classified as a variant of uncertain significance.

NM_002906.4(RDX):c.1037A>C (p.Glu346Ala)

Gene: RDX (radixin; minus strand). Cytogenetic location: 11q22.3.
Variant type: single nucleotide variant.
Coding change: c.1037A>C on transcript NM_002906.4 (MANE Select); coding-DNA position 1037, A replaced by C.
Protein change: p.Glu346Ala; replaces glutamic acid 346 with alanine.
Molecular consequence: missense variant. On other transcripts: 5 prime UTR variant (1), intron variant (1).
Genome position (GRCh38, 1-based): chr11:110,247,756, T>G on the plus strand (A>C on the coding strand, the complement: RDX is on the minus strand). VCF-style: chr11-110247756-T-G. GRCh37 (hg19) VCF-style: chr11-110118481-T-G.
Other names: c.1037A>C, p.Glu346Ala (NM_001260492.2, NM_001260493.2); c.629A>C, p.Glu210Ala (NM_001260494.2); c.-5A>C (NM_001260495.2); c.404+10401A>C (NM_001260496.2); short protein forms E346A, E210A.
Identifiers: ClinVar variation 504673 (VCV000504673.9), dbSNP rs141462728, ClinGen allele CA6270155.